The following is an entry in ClinVar:

NM_000268.4(NF2):c.735C>T (p.Asp245=)

Gene: NF2 (NF2, moesin-ezrin-radixin like (MERLIN) tumor suppressor; plus strand). Cytogenetic location: 22q12.2.
Variant type: single nucleotide variant.
Coding change: c.735C>T on transcript NM_000268.4 (MANE Select); coding-DNA position 735, C replaced by T.
Protein change: p.Asp245=; no amino-acid change (aspartic acid 245 retained).
Molecular consequence: synonymous variant. On other transcripts: non-coding transcript variant (1), intron variant (4).
Genome position (GRCh38, 1-based): chr22:29,661,264, C>T. VCF-style: chr22-29661264-C-T. GRCh37 (hg19) VCF-style: chr22-30057253-C-T.
Other names: c.621C>T, p.Asp207= (NM_001407053.1, NM_001407056.1); c.612C>T, p.Asp204= (NM_001407054.1, NM_001407058.1, NM_181829.3); c.609C>T, p.Asp203= (NM_001407055.1, NM_181828.3); c.735C>T, p.Asp245= (NM_001407060.1, NM_001407066.1, NM_016418.5 and 2 more transcripts); c.486C>T, p.Asp162= (NM_001407063.1, NM_001407064.1, NM_181830.3 and 1 more transcripts); c.201C>T, p.Asp67= (NM_001407065.1); c.504C>T, p.Asp168= (NM_001407067.1); c.675+3000C>T (NM_001407059.1, NM_001407057.1); and 2 more.
Identifiers: ClinVar variation 1758499 (VCV001758499.32), dbSNP rs1601624031, ClinGen allele CA514183184.

ClinVar aggregate classification (germline): Likely benign. Review status: criteria provided, multiple submitters, no conflicts (2 of 4 stars). 3 submissions from 3 submitters: Likely benign (3). Last evaluated 2023-07-01.

Conditions:
Hereditary cancer-predisposing syndrome. Also called: Hereditary neoplastic syndrome; Neoplastic Syndromes, Hereditary; Tumor predisposition; Hereditary Cancer Syndrome. Identifiers: Orphanet 140162, MedGen C0027672, MeSH D009386, MONDO:0015356.
Neurofibromatosis, type 2 (SWNV). Also called: NF2-Related Schwannomatosis; BILATERAL ACOUSTIC NEUROFIBROMATOSIS; SCHWANNOMATOSIS, VESTIBULAR. Identifiers: Orphanet 637, MedGen C0027832, MONDO:0007039, OMIM 101000. Disease mechanism: loss of function.

Allele frequency attached by ClinVar (database versions not stated): gnomAD 0.00001.
gnomAD v4.1: 2 of 1,614,104 alleles (0.00012%); highest among the groups gnomAD compares: African/African-American, 0.0013%; no homozygotes.

Submissions (3):

CeGaT Center for Human Genetics Tuebingen
Classification: Likely benign. Last evaluated: 2023-07-01. Review status: criteria provided, single submitter. Criteria: CeGaT Center For Human Genetics Tuebingen Variant Classification Criteria Version 2. Collection method: clinical testing. Allele origin: germline. Affected: yes. Observed: 1 variant allele.
Comment: NF2: BP4, BP7

Labcorp Genetics (formerly Invitae), Labcorp
Classification: Likely benign for Neurofibromatosis, type 2. Last evaluated: 2022-05-10. Review status: criteria provided, single submitter. Criteria: Invitae Variant Classification Sherloc (09022015). Collection method: clinical testing. Allele origin: germline.

Ambry Genetics
Classification: Likely benign for Hereditary cancer-predisposing syndrome. Last evaluated: 2020-11-04. Review status: criteria provided, single submitter. Criteria: Ambry Variant Classification Scheme 2023. Collection method: clinical testing. Allele origin: germline.